The following is an entry in ClinVar:

ClinVar aggregate classification (germline): Uncertain significance. Review status: criteria provided, multiple submitters, no conflicts (2 of 4 stars). 2 submissions from 2 submitters: Uncertain significance (2). Last evaluated 2024-08-02.

Conditions:
DICER1-related tumor predisposition. Also called: DICER1 syndrome; DICER1-related pleuropulmonary blastoma cancer predisposition syndrome. Identifiers: Orphanet 284343, MedGen C3839822, MONDO:0100216.
Hereditary cancer-predisposing syndrome. Also called: Neoplastic Syndromes, Hereditary; Hereditary Cancer Syndrome; Hereditary neoplastic syndrome; Tumor predisposition. Identifiers: Orphanet 140162, MedGen C0027672, MeSH D009386, MONDO:0015356.

Submissions (2):

Ambry Genetics
Classification: Uncertain significance for Hereditary cancer-predisposing syndrome. Last evaluated: 2024-08-02. Review status: criteria provided, single submitter. Criteria: Ambry Variant Classification Scheme 2023. Collection method: clinical testing. Allele origin: germline.
Comment: The p.E1499K variant (also known as c.4495G>A), located in coding exon 22 of the DICER1 gene, results from a G to A substitution at nucleotide position 4495. The glutamic acid at codon 1499 is replaced by lysine, an amino acid with similar properties. This amino acid position is conserved. In addition, the in silico prediction for this alteration is inconclusive. Based on the available evidence, the clinical significance of this variant remains unclear.

Labcorp Genetics (formerly Invitae), Labcorp
Classification: Uncertain significance for DICER1-related tumor predisposition. Last evaluated: 2019-03-12. Review status: criteria provided, single submitter. Criteria: Invitae Variant Classification Sherloc (09022015). Collection method: clinical testing. Allele origin: germline.
Comment: In summary, the available evidence is currently insufficient to determine the role of this variant in disease. Therefore, it has been classified as a Variant of Uncertain Significance. Algorithms developed to predict the effect of missense changes on protein structure and function (SIFT, PolyPhen-2, Align-GVGD) all suggest that this variant is likely to be tolerated, but these predictions have not been confirmed by published functional studies and their clinical significance is uncertain. This variant has not been reported in the literature in individuals with DICER1-related conditions. This variant is not present in population databases (ExAC no frequency). This sequence change replaces glutamic acid with lysine at codon 1499 of the DICER1 protein (p.Glu1499Lys). The glutamic acid residue is weakly conserved and there is a small physicochemical difference between glutamic acid and lysine.

NM_177438.3(DICER1):c.4495G>A (p.Glu1499Lys)

Gene: DICER1 (dicer 1, ribonuclease III; minus strand). Cytogenetic location: 14q32.13.
Variant type: single nucleotide variant.
Coding change: c.4495G>A on transcript NM_177438.3 (MANE Select); coding-DNA position 4495, G replaced by A.
Protein change: p.Glu1499Lys; replaces glutamic acid 1499 with lysine.
Molecular consequence: missense variant.
Genome position (GRCh38, 1-based): chr14:95,096,425, C>T on the plus strand (G>A on the coding strand, the complement: DICER1 is on the minus strand). VCF-style: chr14-95096425-C-T. GRCh37 (hg19) VCF-style: chr14-95562762-C-T.
Other names: c.4495G>A, p.Glu1499Lys (NM_001195573.1, NM_001271282.3, NM_001291628.2 and 1 more transcripts); short protein forms E1499K.
Identifiers: ClinVar variation 851192 (VCV000851192.12), dbSNP rs1350503269, ClinGen allele CA390868110.
Genomic context (GRCh38, chr14:95,096,425, plus strand): 5'-CAACAGCTTTGCTAGGATCCAGATAGCACATTGCATCCCAAGAGCTGTAGTCAAAATCCT[C>T]AAAATCTGATGAAAATGGCATACTACCTAAGGAGGATTTTTTGGGCATTTTCCATTCATA-3'
Protein context (NP_803187.1, residues 1489-1509): LGSMPFSSDF[Glu1499Lys]DFDYSSWDAM